The following is an entry in ClinVar:

NM_000017.4(ACADS):c.974G>A (p.Arg325Gln)

Gene: ACADS (acyl-CoA dehydrogenase short chain; plus strand). Cytogenetic location: 12q24.31.
Variant type: single nucleotide variant.
Coding change: c.974G>A on transcript NM_000017.4 (MANE Select); coding-DNA position 974, G replaced by A.
Protein change: p.Arg325Gln; replaces arginine 325 with glutamine.
Molecular consequence: missense variant.
Genome position (GRCh38, 1-based): chr12:120,738,860, G>A. VCF-style: chr12-120738860-G-A. GRCh37 (hg19) VCF-style: chr12-121176663-G-A.
Other names: c.962G>A, p.Arg321Gln (NM_001302554.2); short protein forms R325Q, R321Q.
Identifiers: ClinVar variation 450631 (VCV000450631.7), dbSNP rs932525260, ClinGen allele CA244494682.

ClinVar aggregate classification (germline): Pathogenic/Likely pathogenic. Review status: criteria provided, multiple submitters, no conflicts (2 of 4 stars). 4 submissions from 4 submitters: Pathogenic (1); Likely pathogenic (1). 2 of the submissions do not count toward it. Last evaluated 2025-04-21.

Conditions:
Deficiency of butyryl-CoA dehydrogenase (ACADSD). Also called: SCADH DEFICIENCY; ACADS DEFICIENCY; SCAD DEFICIENCY, MILD; ACYL-CoA DEHYDROGENASE, SHORT-CHAIN, DEFICIENCY OF; Short-Chain Acyl-CoA Dehydrogenase Deficiency; SCAD Deficiency. Identifiers: Orphanet 26792, MedGen C0342783, MONDO:0008722, OMIM 201470. Disease mechanism: May be benign.

Allele frequency attached by ClinVar (database versions not stated): gnomAD exomes below 0.00001 and 0.00001; TOPMed 0.00001.
gnomAD v4.1: 12 of 1,613,568 alleles (0.00074%); highest among the groups gnomAD compares: Non-Finnish European, 0.001%; no homozygotes.

Submissions (4):

Labcorp Genetics (formerly Invitae), Labcorp
Classification: Pathogenic for Deficiency of butyryl-CoA dehydrogenase. Last evaluated: 2025-04-21. Review status: criteria provided, single submitter. Criteria: Invitae Variant Classification Sherloc (09022015). Collection method: clinical testing. Allele origin: germline.
Comment: This sequence change replaces arginine, which is basic and polar, with glutamine, which is neutral and polar, at codon 325 of the ACADS protein (p.Arg325Gln). This variant is present in population databases (no rsID available, gnomAD 0.0009%). This missense change has been observed in individual(s) with clinical features of ACADS-related conditions (PMID: 27938594, 38784038; internal data). In at least one individual the data is consistent with being in trans (on the opposite chromosome) from a pathogenic variant. ClinVar contains an entry for this variant (Variation ID: 450631). Invitae Evidence Modeling of protein sequence and biophysical properties (such as structural, functional, and spatial information, amino acid conservation, physicochemical variation, residue mobility, and thermodynamic stability) indicates that this missense variant is expected to disrupt ACADS protein function with a positive predictive value of 95%. This variant disrupts the p.Arg325 amino acid residue in ACADS. Other variant(s) that disrupt this residue have been determined to be pathogenic (PMID: 11134486; internal data). This suggests that this residue is clinically significant, and that variants that disrupt this residue are likely to be disease-causing. For these reasons, this variant has been classified as Pathogenic.

GeneDx
Classification: Likely pathogenic. Last evaluated: 2017-07-25. Review status: criteria provided, single submitter. Criteria: GeneDx Variant Classification (06012015). Collection method: clinical testing. Allele origin: germline. Affected: yes.
Comment: The R325Q variant in the ACADS gene has been reported previously in the compound heterozygous state in a patient diagnosed with short-chain acyl-CoA dehydrogenase (SCAD) deficiency after an abnormal newborn screen (Huang et al., 2016). The R325Q variant is not observed in large population cohorts (Lek et al., 2016; 1000 Genomes Consortium et al., 2015; Exome Variant Server). The R325Q variant is a semi-conservative amino acid substitution, which may impact secondary protein structure as these residues differ in some properties. This substitution occurs at a position that is conserved across species. In silico analysis predicts this variant is probably damaging to the protein structure/function. Missense variants in nearby residues (R330C, R330H, E322K) have been reported in the Human Gene Mutation Database in association with SCAD deficiency (Stenson et al., 2014). A missense variant in the same residue (R325W) has also been reported, referred to as R301W, in an individual with increased ethylmalonic acid and undetectable short-chain acyl-CoA activity in fibroblasts, supporting a diagnosis of ethylmalonic aciduria/SCAD deficiency (Corydon et al., 2001). These variants further support the functional importance of this region of the protein. Therefore, we interpret R325Q as a likely pathogenic variant.

Counsyl
Classification: Uncertain significance for Deficiency of butyryl-CoA dehydrogenase. Last evaluated: 2017-12-07. Review status: no assertion criteria provided. Collection method: clinical testing. Allele origin: unknown. Not counted in ClinVar's aggregate classification.

Neonatal Disease Screening Center, Medical Genetics Center, Huaihua City Maternal and Child Health Care Hospital
Classification: Likely pathogenic for Deficiency of butyryl-CoA dehydrogenase. Review status: no assertion criteria provided. Criteria: ACMG Guidelines, 2015. Collection method: clinical testing. Allele origin: germline. Affected: yes. Observed: 1 variant allele. Not counted in ClinVar's aggregate classification.
Comment: PM2_P+PM3+PM5+PP3+PP4

Literature cited by the submitters: PubMed 27938594 (cited by Labcorp Genetics (formerly Invitae), Labcorp and Counsyl); PubMed 38784038 (cited by Labcorp Genetics (formerly Invitae), Labcorp); PubMed 11134486 (cited by Labcorp Genetics (formerly Invitae), Labcorp).